The following is an entry in ClinVar:

NM_001165963.4(SCN1A):c.2594G>A (p.Arg865Gln)

Gene: SCN1A (sodium voltage-gated channel alpha subunit 1; minus strand). Cytogenetic location: 2q24.3.
Variant type: single nucleotide variant.
Coding change: c.2594G>A on transcript NM_001165963.4 (MANE Select); coding-DNA position 2594, G replaced by A.
Protein change: p.Arg865Gln; replaces arginine 865 with glutamine.
Molecular consequence: missense variant. On other transcripts: non-coding transcript variant (1).
Genome position (GRCh38, 1-based): chr2:166,038,128, C>T on the plus strand (G>A on the coding strand, the complement: SCN1A is on the minus strand). VCF-style: chr2-166038128-C-T. GRCh37 (hg19) VCF-style: chr2-166894638-C-T.
Other names: c.2507G>A, p.Arg836Gln (NM_001353960.2); c.152G>A, p.Arg51Gln (NM_001353961.2); c.2561G>A, p.Arg854Gln (NM_006920.6, NM_001353949.2, NM_001353950.2 and 2 more transcripts); c.2510G>A, p.Arg837Gln (NM_001165964.3, NM_001353957.2, NM_001353958.2); c.2594G>A, p.Arg865Gln (NM_001202435.3, NM_001353948.2); c.2558G>A, p.Arg853Gln (NM_001353954.2, NM_001353955.2); short protein forms R854Q, R865Q, R51Q, R836Q, R853Q, R837Q.
Identifiers: ClinVar variation 372566 (VCV000372566.10), dbSNP rs1057517862, ClinGen allele CA16042360.

ClinVar aggregate classification (germline): Pathogenic/Likely pathogenic. Review status: criteria provided, multiple submitters, no conflicts (2 of 4 stars). 3 submissions from 3 submitters: Pathogenic (1); Likely pathogenic (2). Last evaluated 2024-08-30.

Conditions:
Early-infantile DEE. Also called: Early infantile epileptic encephalopathy with suppression bursts; Ohtahara syndrome; Early infantile epileptic encephalopathy. Identifiers: Orphanet 1934, MedGen C0393706, MONDO:0800491.
Generalized epilepsy with febrile seizures plus, type 2 (GEFSP2). Also called: GEFS+, TYPE 2. Identifiers: Orphanet 36387, MedGen C1858673, MONDO:0011461, OMIM 604403.

Submissions (3):

Labcorp Genetics (formerly Invitae), Labcorp
Classification: Likely pathogenic for Early-infantile DEE. Last evaluated: 2024-08-30. Review status: criteria provided, single submitter. Criteria: Invitae Variant Classification Sherloc (09022015). Collection method: clinical testing. Allele origin: germline.
Comment: This sequence change replaces arginine, which is basic and polar, with glutamine, which is neutral and polar, at codon 865 of the SCN1A protein (p.Arg865Gln). This variant is not present in population databases (gnomAD no frequency). This missense change has been observed in individuals with autosomal dominant SCN1A-related conditions (PMID: 31487502; internal data). ClinVar contains an entry for this variant (Variation ID: 372566). Invitae Evidence Modeling of protein sequence and biophysical properties (such as structural, functional, and spatial information, amino acid conservation, physicochemical variation, residue mobility, and thermodynamic stability) indicates that this missense variant is expected to disrupt SCN1A protein function with a positive predictive value of 95%. This variant disrupts the p.Arg865 amino acid residue in SCN1A. Other variant(s) that disrupt this residue have been observed in individuals with SCN1A-related conditions (PMID: 21864321), which suggests that this may be a clinically significant amino acid residue. In summary, the currently available evidence indicates that the variant is pathogenic, but additional data are needed to prove that conclusively. Therefore, this variant has been classified as Likely Pathogenic.

Mendelics
Classification: Pathogenic for Generalized epilepsy with febrile seizures plus, type 2. Last evaluated: 2022-05-04. Review status: criteria provided, single submitter. Criteria: Mendelics Assertion Criteria 2019. Collection method: clinical testing. Allele origin: germline.

GeneDx
Classification: Likely pathogenic. Last evaluated: 2016-03-22. Review status: criteria provided, single submitter. Criteria: GeneDx Variant Classification (06012015). Collection method: clinical testing. Allele origin: germline. Affected: yes.
Comment: A novel R865Q variant that is likely pathogenic has been identified in the SCN1A gene. The R865Q variant has not been published as a pathogenic variant, nor has it been reported as a benign variant to our knowledge. It was not observed in approximately 6,500 individuals of European and African American ancestry in the NHLBI Exome Sequencing Project, indicating it is not a common benign variant in these populations. The R865Q variant is a semi-conservative amino acid substitution, which may impact secondary protein structure as these residues differ in some properties. This substitution occurs at a conserved position predicted to be within the voltage-sensor transmembrane segment S4 in the second homologous domain of the protein. A different missense variant in the same codon (R865G) as well as missense variants in nearby residues (R862G, L863W) have been reported in the Human Gene Mutation Database in association with SCN1A-related disorders (Stenson et al., 2014), supporting the functional importance of this region of the protein. In silico analysis predicts this variant is probably damaging to the protein structure/function. Therefore, this variant is likely pathogenic; however, the possibility that it is benign cannot be excluded.

Literature cited by the submitters: PubMed 31487502 (cited by Labcorp Genetics (formerly Invitae), Labcorp); PubMed 21864321 (cited by Labcorp Genetics (formerly Invitae), Labcorp).